The following is an entry in ClinVar:

ClinVar aggregate classification (germline): Likely pathogenic (1 of 4 stars; one submission).

Conditions:
Dentici-Novelli neurodevelopmental syndrome. Identifiers: MedGen C5676987, MONDO:0859251, OMIM 619877.

Submission:

Juno Genomics, Hangzhou Juno Genomics, Inc
Classification: Likely pathogenic for Dentici-Novelli neurodevelopmental syndrome. Review status: criteria provided, single submitter. Criteria: ACMG Guidelines, 2015. Collection method: clinical testing. Allele origin: germline. Affected: yes.
Comment: Absent from controls (or at extremely low frequency if recessive) in Genome Aggregation Database.;Null variant in a gene where loss of function (LOF) is a known mechanism of disease.;For recessive disorders, detected in trans with a pathogenic variant.

NM_133444.3(ZNF526):c.221C>A (p.Ser74Ter)

Gene: ZNF526 (zinc finger protein 526; plus strand). Cytogenetic location: 19q13.2.
Variant type: single nucleotide variant.
Coding change: c.221C>A on transcript NM_133444.3 (MANE Select); coding-DNA position 221, C replaced by A.
Protein change: p.Ser74Ter; replaces serine 74 with a stop codon.
Molecular consequence: nonsense.
Genome position (GRCh38, 1-based): chr19:42,224,624, C>A. VCF-style: chr19-42224624-C-A. GRCh37 (hg19) VCF-style: chr19-42728776-C-A.
Other names: c.221C>A, p.Ser74Ter (NM_001314033.3); short protein forms S74*.
Identifiers: ClinVar variation 5020012 (VCV005020012.1).